The following is an entry in ClinVar:

ClinVar aggregate classification (germline): Uncertain significance (1 of 4 stars; one submission).

Allele frequency attached by ClinVar (database versions not stated): TOPMed below 0.00001; gnomAD 0.00001.
gnomAD v4.1: 1 of 1,601,226 alleles (0.000062%); highest among the groups gnomAD compares: Admixed American, 0.0017%; no homozygotes.

Submission:

Ambry Genetics
Classification: Uncertain significance. Last evaluated: 2023-04-14. Review status: criteria provided, single submitter. Criteria: Ambry Variant Classification Scheme 2023. Collection method: clinical testing. Allele origin: germline.
Comment: The c.3918-5C>T intronic variant results from a C to T substitution 5 nucleotides upstream from coding exon 36 in the KIF1B gene. This nucleotide position is poorly conserved in available vertebrate species. In silico splice site analysis predicts that this alteration will not have any significant effect on splicing. The evidence for this gene-disease relationship is limited; therefore, the clinical significance of this alteration is unclear.

NM_001365951.3(KIF1B):c.4056-5C>T

Gene: KIF1B (kinesin family member 1B; plus strand). Cytogenetic location: 1p36.22.
Variant type: single nucleotide variant.
Coding change: c.4056-5C>T on transcript NM_001365951.3 (MANE Select); 5 bases into the intron before coding-DNA position 4056, C replaced by T.
Molecular consequence: intron variant.
Genome position (GRCh38, 1-based): chr1:10,360,924, C>T. VCF-style: chr1-10360924-C-T. GRCh37 (hg19) VCF-style: chr1-10420982-C-T.
Other names: c.3918-5C>T (NM_015074.3); c.4056-5C>T (NM_001365952.1).
Identifiers: ClinVar variation 2561698 (VCV002561698.2), dbSNP rs1336103373, ClinGen allele CA884814597.